The following is an entry in ClinVar:

NM_012186.3(FOXE3):c.177G>T (p.Pro59=)

Genes: FOXE3 (forkhead box E3; plus strand), LINC01389 (long intergenic non-protein coding RNA 1389; minus strand). Cytogenetic location: 1p33.
Variant type: single nucleotide variant.
Coding change: c.177G>T on transcript NM_012186.3 (MANE Select); coding-DNA position 177, G replaced by T.
Protein change: p.Pro59=; no amino-acid change (proline 59 retained).
Molecular consequence: synonymous variant.
Genome position (GRCh38, 1-based): chr1:47,416,492, G>T. VCF-style: chr1-47416492-G-T. GRCh37 (hg19) VCF-style: chr1-47882164-G-T.
Identifiers: ClinVar variation 3030185 (VCV003030185.2), dbSNP rs1225970688, ClinGen allele CA417892169.

ClinVar aggregate classification (germline): Likely benign (0 of 4 stars; one submission).

Conditions:
FOXE3-related disorder. Also called: FOXE3-related condition.

gnomAD v4.1: 2 of 1,214,256 alleles (0.00016%); highest among the groups gnomAD compares: Non-Finnish European, 0.00021%; no homozygotes.

Submission:

PreventionGenetics, part of Exact Sciences
Classification: Likely benign for FOXE3-related condition. Last evaluated: 2022-02-03. Review status: no assertion criteria provided. Collection method: clinical testing. Allele origin: germline.
Comment: This variant is classified as likely benign based on ACMG/AMP sequence variant interpretation guidelines (Richards et al. 2015 PMID: 25741868, with internal and published modifications).